The following is an entry in ClinVar:

ClinVar aggregate classification (germline): Likely benign. Review status: criteria provided, multiple submitters, no conflicts (2 of 4 stars). 4 submissions from 4 submitters: Likely benign (3). 1 of the submissions does not count toward it. Last evaluated 2026-03-29.

Conditions:
ABCG8-related disorder. Also called: ABCG8-related condition.
Cardiovascular phenotype. Identifiers: MedGen CN230736.

Allele frequency attached by ClinVar (database versions not stated): ExAC 0.00003.
gnomAD v4.1: 16 of 1,614,176 alleles (0.00099%); highest among the groups gnomAD compares: Admixed American, 0.0033%; no homozygotes.

Submissions (4):

Ambry Genetics
Classification: Likely benign for Cardiovascular phenotype. Last evaluated: 2026-03-29. Review status: criteria provided, single submitter. Criteria: Ambry Variant Classification Scheme 2023. Collection method: clinical testing. Allele origin: germline.

Women's Health and Genetics/Laboratory Corporation of America, LabCorp
Classification: Likely benign. Last evaluated: 2026-02-07. Review status: criteria provided, single submitter. Criteria: LabCorp Variant Classification Summary - May 2015. Collection method: clinical testing. Allele origin: germline.

Labcorp Genetics (formerly Invitae), Labcorp
Classification: Likely benign. Last evaluated: 2025-09-26. Review status: criteria provided, single submitter. Criteria: Invitae Variant Classification Sherloc (09022015). Collection method: clinical testing. Allele origin: germline.

PreventionGenetics, part of Exact Sciences
Classification: Likely benign for ABCG8-related condition. Last evaluated: 2022-12-13. Review status: no assertion criteria provided. Collection method: clinical testing. Allele origin: germline. Not counted in ClinVar's aggregate classification.
Comment: This variant is classified as likely benign based on ACMG/AMP sequence variant interpretation guidelines (Richards et al. 2015 PMID: 25741868, with internal and published modifications).

NM_022437.3(ABCG8):c.921C>T (p.Ile307=)

Gene: ABCG8 (ATP binding cassette subfamily G member 8; plus strand). Cytogenetic location: 2p21.
Variant type: single nucleotide variant.
Coding change: c.921C>T on transcript NM_022437.3 (MANE Select); coding-DNA position 921, C replaced by T.
Protein change: p.Ile307=; no amino-acid change (isoleucine 307 retained).
Molecular consequence: synonymous variant.
Genome position (GRCh38, 1-based): chr2:43,852,825, C>T. VCF-style: chr2-43852825-C-T. GRCh37 (hg19) VCF-style: chr2-44079964-C-T.
Other names: c.921C>T (NM_022437.2); c.921C>T, p.Ile307= (NM_001357321.2).
Identifiers: ClinVar variation 2753576 (VCV002753576.7), dbSNP rs780422381, ClinGen allele CA1637204.